The following is an entry in ClinVar:

ClinVar aggregate classification (germline): Likely pathogenic (1 of 4 stars; one submission).

Conditions:
Cerebellar ataxia, intellectual disability, and dysequilibrium syndrome 3 (SCAR34). Also called: CEREBELLAR ATAXIA AND MENTAL RETARDATION WITH OR WITHOUT QUADRUPEDAL LOCOMOTION 3; SPINOCEREBELLAR ATAXIA, AUTOSOMAL RECESSIVE 34. Identifiers: Orphanet 1766, MedGen C2750509, MONDO:0013188, OMIM 613227.

gnomAD v4.1: 7 of 1,614,102 alleles (0.00043%); highest among the groups gnomAD compares: African/African-American, 0.0013%; no homozygotes.

Submission:

Servicio de Genética Del Instituto Nacional de Salud Del Niño, Ministerio de Salud
Classification: Likely pathogenic for Cerebellar ataxia, intellectual disability, and dysequilibrium syndrome 3. Last evaluated: 2024-11-18. Review status: criteria provided, single submitter. Criteria: ACMG Guidelines, 2015. Collection method: clinical testing. Allele origin: germline. Inheritance: Autosomal recessive inheritance. Affected: yes.
Comment: The variant CA8: c.5461C>T is a sequence change affecting the CA8 gene. This variant may impact protein function, potentially altering carbonic anhydrase activity. Based on ACMG/AMP guidelines, this variant should be evaluated for criteria such as PP3 (in silico predictions), PM2 (absence in population databases), and any functional studies supporting pathogenicity. Further clinical correlation and segregation analysis are recommended to clarify its significance.

NM_004056.6(CA8):c.823C>T (p.Arg275Trp)

Gene: CA8 (carbonic anhydrase 8; minus strand). Cytogenetic location: 8q12.1.
Variant type: single nucleotide variant.
Coding change: c.823C>T on transcript NM_004056.6 (MANE Select); coding-DNA position 823, C replaced by T.
Protein change: p.Arg275Trp; replaces arginine 275 with tryptophan.
Molecular consequence: missense variant. On other transcripts: 3 prime UTR variant (1), non-coding transcript variant (1).
Genome position (GRCh38, 1-based): chr8:60,208,835, G>A on the plus strand (C>T on the coding strand, the complement: CA8 is on the minus strand). VCF-style: chr8-60208835-G-A. GRCh37 (hg19) VCF-style: chr8-61121394-G-A.
Other names: c.823C>T, p.Arg275Trp (NM_001321837.2); c.*81C>T (NM_001321838.2); c.727C>T, p.Arg243Trp (NM_001321839.2); short protein forms R243W, R275W.
Identifiers: ClinVar variation 3773813 (VCV003773813.1).